The following is an entry in ClinVar:

NM_022765.4(MICAL1):c.1686dup (p.Leu563fs)

Gene: MICAL1 (microtubule associated monooxygenase, calponin and LIM domain containing 1; minus strand). Cytogenetic location: 6q21.
Variant type: Duplication.
Coding change: c.1686dup on transcript NM_022765.4 (MANE Select); coding-DNA position 1686, one base duplicated (G; older notation c.1686dupG).
Protein change: p.Leu563fs; shifts the reading frame from leucine 563.
Molecular consequence: frameshift variant.
Genome position (GRCh38, 1-based): chr6:109,448,372, C duplicated on the plus strand (G on the coding strand, the reverse complement: MICAL1 is on the minus strand); the first of 4 consecutive C bases (chr6:109,448,372-109,448,375); duplicating any one gives the same sequence. VCF-style (leftmost placement, unchanged base first): chr6-109448371-G-GC. GRCh37 (hg19) VCF-style: chr6-109769574-G-GC.
Other names: c.1428dup, p.Leu477fs (NM_001159291.2); c.1743dup, p.Leu582fs (NM_001286613.2); short protein forms L563fs, L477fs, L582fs.
Identifiers: ClinVar variation 2110089 (VCV002110089.4), dbSNP rs2482787998, ClinGen allele CA2580074767.

ClinVar aggregate classification (germline): Uncertain significance (1 of 4 stars; one submission).

Submission:

Labcorp Genetics (formerly Invitae), Labcorp
Classification: Uncertain significance. Last evaluated: 2022-03-12. Review status: criteria provided, single submitter. Criteria: Invitae Variant Classification Sherloc (09022015). Collection method: clinical testing. Allele origin: germline.
Comment: In summary, the available evidence is currently insufficient to determine the role of this variant in disease. Therefore, it has been classified as a Variant of Uncertain Significance. This variant has not been reported in the literature in individuals affected with MICAL1-related conditions. This variant is not present in population databases (gnomAD no frequency). This sequence change creates a premature translational stop signal (p.Leu582Alafs*17) in the MICAL1 gene. It is expected to result in an absent or disrupted protein product. However, the current clinical and genetic evidence is not sufficient to establish whether loss-of-function variants in MICAL1 cause disease.